The following is an entry in ClinVar:

NM_177438.3(DICER1):c.4407_4410del (p.Ser1470fs)

Gene: DICER1 (dicer 1, ribonuclease III; minus strand). Cytogenetic location: 14q32.13.
Variant type: Deletion.
Coding change: c.4407_4410del on transcript NM_177438.3 (MANE Select); coding-DNA positions 4407 to 4410, 4 bases deleted (TTCT; older notation c.4407_4410delTTCT).
Protein change: p.Ser1470fs; shifts the reading frame from serine 1470.
Molecular consequence: frameshift variant.
Genome position (GRCh38, 1-based): chr14:95,096,510-95,096,513, AGAA deleted on the plus strand (TTCT on the coding strand, the reverse complement: DICER1 is on the minus strand); deleting any 4 consecutive bases within chr14:95,096,510-95,096,516 gives the same sequence; the c. name uses the placement nearest the transcript's 3' end. VCF-style (leftmost placement, unchanged base first): chr14-95096509-GAGAA-G. GRCh37 (hg19) VCF-style: chr14-95562846-GAGAA-G.
Other names: c.4407_4410delTTCT (NM_177438.2); c.4407_4410del, p.Ser1470fs (NM_001271282.3, NM_001291628.2, NM_030621.4 and 1 more transcripts); short protein forms S1470fs.
Identifiers: ClinVar variation 225888 (VCV000225888.24), dbSNP rs875989784, ClinGen allele CA10576129.

ClinVar aggregate classification (germline): Pathogenic. Review status: criteria provided, multiple submitters, no conflicts (2 of 4 stars). 8 submissions from 8 submitters: Pathogenic (8). Last evaluated 2025-11-17.

Conditions:
Rhabdomyosarcoma, embryonal, 2 (RMSE2). Identifiers: MedGen C1867234, MONDO:0859046, OMIM 180295.
DICER1-related tumor predisposition. Also called: DICER1 syndrome; DICER1-related pleuropulmonary blastoma cancer predisposition syndrome. Identifiers: Orphanet 284343, MedGen C3839822, MONDO:0100216.
Hereditary cancer-predisposing syndrome. Also called: Tumor predisposition; Hereditary neoplastic syndrome; Neoplastic Syndromes, Hereditary; Hereditary Cancer Syndrome. Identifiers: Orphanet 140162, MedGen C0027672, MeSH D009386, MONDO:0015356.
Pineoblastoma. Identifiers: Orphanet 251909, MedGen C0205898, MONDO:0016722, HP:0030408.

Submissions (8):

Labcorp Genetics (formerly Invitae), Labcorp
Classification: Pathogenic for DICER1-related tumor predisposition. Last evaluated: 2025-11-17. Review status: criteria provided, single submitter. Criteria: Invitae Variant Classification Sherloc (09022015). Collection method: clinical testing. Allele origin: germline.
Comment: This sequence change creates a premature translational stop signal (p.Ser1470Leufs*19) in the DICER1 gene. It is expected to result in an absent or disrupted protein product. Loss-of-function variants in DICER1 are known to be pathogenic (PMID: 19556464, 21266384). This variant is not present in population databases (gnomAD no frequency). This premature translational stop signal has been observed in individual(s) with clinical features of DICER1-related disorders. (PMID: 24909177, 25022261, 25118636). ClinVar contains an entry for this variant (Variation ID: 225888). For these reasons, this variant has been classified as Pathogenic.

Institute for Genomic Medicine (IGM) Clinical Laboratory, Nationwide Children's Hospital
Classification: Pathogenic for DICER1-related tumor predisposition. Last evaluated: 2025-06-25. Review status: criteria provided, single submitter. Criteria: ACMG Guidelines, 2015. Collection method: clinical testing. Allele origin: germline.
Comment: This variant is predicted to result in loss of function through nonsense-mediated decay of the encoded transcript or premature truncation of the encoded protein in a gene in which loss of function is a known mechanism of disease (ACMG/AMP: PVS1; PMID:19556464). This variant has been reported at an elevated frequency in affected individuals/in multiple affected individuals in the literature (ACMG/AMP: PS4; PMIDs:25118636, 25022261, 24909177, 31408196, 29351919, 30097050, 34329835). This variant is absent from or present at an exceedingly low frequency in gnomAD, a large-scale control population database (ACMG/AMP: PM2).

GeneDx
Classification: Pathogenic. Last evaluated: 2025-03-09. Review status: criteria provided, single submitter. Criteria: GeneDx Variant Classification Process June 2021. Collection method: clinical testing. Allele origin: germline. Affected: yes.
Comment: Frameshift variant predicted to result in protein truncation or nonsense mediated decay in a gene for which loss of function is a known mechanism of disease; Not observed at significant frequency in large population cohorts (gnomAD); This variant is associated with the following publications: (PMID: 29351919, 25118636, 20822816, 25022261, 26925222, 30178239, 30097050, 31296931, 31408196)

Ambry Genetics
Classification: Pathogenic for Hereditary cancer-predisposing syndrome. Last evaluated: 2023-05-03. Review status: criteria provided, single submitter. Criteria: Ambry Variant Classification Scheme 2023. Collection method: clinical testing. Allele origin: germline.
Comment: The c.4407_4410delTTCT pathogenic mutation, located in coding exon 22 of the DICER1 gene, results from a deletion of 4 nucleotides between nucleotide positions 4407 and 4410, causing a translational frameshift with a predicted alternate stop codon (p.S1470Lfs*19). In addition to the clinical data presented in the literature, this alteration is expected to result in loss of function by premature protein truncation or nonsense-mediated mRNA decay. As such, this alteration is interpreted as a disease-causing mutation.

Centre for Mendelian Genomics, University Medical Centre Ljubljana
Classification: Pathogenic for Rhabdomyosarcoma, embryonal, 2. Last evaluated: 2019-09-10. Review status: criteria provided, single submitter. Criteria: ACMG Guidelines, 2015. Collection method: clinical testing. Allele origin: unknown. Affected: yes.
Comment: This variant was classified as: Pathogenic. The following ACMG criteria were applied in classifying this variant: PVS1,PS1,PM2.

Foulkes Cancer Genetics LDI, Lady Davis Institute for Medical Research
Classification: Pathogenic for Pleuropulmonary blastoma. Last evaluated: 2019-07-01. Review status: criteria provided, single submitter. Criteria: ACMG Guidelines, 2015. Collection method: curation. Allele origin: germline. Affected: yes. Observed: 8 variant alleles.
Comment: ACMG criteria met: PVS1, PM2, PP4

International Pleuropulmonary Blastoma Registry, Children's Hospitals and Clinics of Minnesota
Classification: Pathogenic for Pleuropulmonary blastoma. Last evaluated: 2014-11-10. Review status: criteria provided, single submitter. Criteria: Hill et al. (Science. 2009). Collection method: clinical testing. Allele origin: germline. Affected: yes. Study: PPB-DICER1 Genetic study.

Lupski Lab, Baylor-Hopkins CMG, Baylor College of Medicine
Classification: Pathogenic for Pineoblastoma. Last evaluated: 2014-07-15. Review status: criteria provided, single submitter. Criteria: de Kock et al. (Acta Neuropathol. 2014). Collection method: research. Allele origin: germline. Inheritance: Autosomal dominant inheritance. Affected: yes. Observed: 1 variant allele.

Literature cited by the submitters: PubMed 19556464 (cited by Labcorp Genetics (formerly Invitae), Labcorp and Institute for Genomic Medicine (IGM) Clinical Laboratory, Nationwide Children's Hospital); PubMed 21266384 (cited by Labcorp Genetics (formerly Invitae), Labcorp); PubMed 24909177 (cited by 3 submitters); PubMed 25022261 (cited by 4 submitters); PubMed 25118636 (cited by 4 submitters); PubMed 31408196 (cited by Institute for Genomic Medicine (IGM) Clinical Laboratory, Nationwide Children's Hospital); PubMed 29351919 (cited by Institute for Genomic Medicine (IGM) Clinical Laboratory, Nationwide Children's Hospital); PubMed 30097050 (cited by Institute for Genomic Medicine (IGM) Clinical Laboratory, Nationwide Children's Hospital and Foulkes Cancer Genetics LDI, Lady Davis Institute for Medical Research); PubMed 34329835 (cited by Institute for Genomic Medicine (IGM) Clinical Laboratory, Nationwide Children's Hospital); PubMed 26925222 (cited by Foulkes Cancer Genetics LDI, Lady Davis Institute for Medical Research and International Pleuropulmonary Blastoma Registry, Children's Hospitals and Clinics of Minnesota); PubMed 27459524 (cited by Foulkes Cancer Genetics LDI, Lady Davis Institute for Medical Research).